The following is an entry in ClinVar:

ClinVar aggregate classification (germline): Benign/Likely benign. Review status: criteria provided, multiple submitters, no conflicts (2 of 4 stars). 4 submissions from 4 submitters: Benign (1); Likely benign (2). 1 of the submissions does not count toward it. Last evaluated 2025-12-22.

Conditions:
Autosomal recessive nonsyndromic hearing loss 28. Identifiers: Orphanet 90636, MedGen C1853276, MONDO:0012355, OMIM 609823.
TRIOBP-related disorder. Also called: TRIOBP-related condition.

Submissions (4):

Labcorp Genetics (formerly Invitae), Labcorp
Classification: Benign. Last evaluated: 2025-12-22. Review status: criteria provided, single submitter. Criteria: Invitae Variant Classification Sherloc (09022015). Collection method: clinical testing. Allele origin: germline.

Blueprint Genetics
Classification: Likely benign. Last evaluated: 2024-11-26. Review status: criteria provided, single submitter. Criteria: ACMG Guidelines, 2015. Collection method: clinical testing. Allele origin: germline.

ARUP Laboratories, Molecular Genetics and Genomics, ARUP Laboratories
Classification: Likely benign for Autosomal recessive nonsyndromic hearing loss 28. Last evaluated: 2022-05-05. Review status: criteria provided, single submitter. Criteria: ARUP Molecular Germline Variant Investigation Process 2021. Collection method: clinical testing. Allele origin: germline.

PreventionGenetics, part of Exact Sciences
Classification: Likely benign for TRIOBP-related condition. Last evaluated: 2022-08-31. Review status: no assertion criteria provided. Collection method: clinical testing. Allele origin: germline. Not counted in ClinVar's aggregate classification.
Comment: This variant is classified as likely benign based on ACMG/AMP sequence variant interpretation guidelines (Richards et al. 2015 PMID: 25741868, with internal and published modifications).

NM_001039141.3(TRIOBP):c.6472+14_6472+15insC

Gene: TRIOBP (TRIO and F-actin binding protein; plus strand). Cytogenetic location: 22q13.1.
Variant type: Insertion.
Coding change: c.6472+14_6472+15insC on transcript NM_001039141.3 (MANE Select); bases 14 to 15 of the intron after coding-DNA position 6472, C inserted.
Molecular consequence: intron variant.
Genome position: GRCh38 VCF-style: chr22-37765831-G-GC. GRCh37 (hg19) VCF-style: chr22-38161838-G-GC.
Other names: c.1333+14_1333+15insC (NM_007032.5); c.6472+14_6472+15insC (NM_001039141.2).
Identifiers: ClinVar variation 1601530 (VCV001601530.13), dbSNP rs546389039, ClinGen allele CA10225044.